The following is an entry in ClinVar:

ClinVar aggregate classification (germline): Uncertain significance (1 of 4 stars; one submission).

Conditions:
Hereditary cancer-predisposing syndrome. Also called: Neoplastic Syndromes, Hereditary; Tumor predisposition; Hereditary neoplastic syndrome; Hereditary Cancer Syndrome. Identifiers: Orphanet 140162, MedGen C0027672, MeSH D009386, MONDO:0015356.

Submission:

Ambry Genetics
Classification: Uncertain significance for Hereditary cancer-predisposing syndrome. Last evaluated: 2026-07-06. Review status: criteria provided, single submitter. Criteria: Ambry Variant Classification Scheme 2023. Collection method: clinical testing. Allele origin: germline.
Comment: The p.Y1760N variant (also known as c.5278T>A), located in coding exon 41 of the TSC2 gene, results from a T to A substitution at nucleotide position 5278. The tyrosine at codon 1760 is replaced by asparagine, an amino acid with dissimilar properties. This amino acid position is conserved. In addition, the in silico prediction for this alteration is inconclusive. Based on the available evidence, the clinical significance of this variant remains unclear.

NM_000548.5(TSC2):c.5278T>A (p.Tyr1760Asn)

Gene: TSC2 (TSC complex subunit 2; plus strand). Cytogenetic location: 16p13.3.
Variant type: single nucleotide variant.
Coding change: c.5278T>A on transcript NM_000548.5 (MANE Select); coding-DNA position 5278, T replaced by A.
Protein change: p.Tyr1760Asn; replaces tyrosine 1760 with asparagine.
Molecular consequence: missense variant. On other transcripts: non-coding transcript variant (5).
Genome position (GRCh38, 1-based): chr16:2,088,464, T>A. VCF-style: chr16-2088464-T-A. GRCh37 (hg19) VCF-style: chr16-2138465-T-A.
Other names: c.5077T>A, p.Tyr1693Asn (NM_001077183.3); c.5209T>A, p.Tyr1737Asn (NM_001114382.3); c.5170T>A, p.Tyr1724Asn (NM_001406667.1); c.5167T>A, p.Tyr1723Asn (NM_001406668.1); c.5098T>A, p.Tyr1700Asn (NM_001406670.1); c.5068T>A, p.Tyr1690Asn (NM_001406671.1); c.5065T>A, p.Tyr1689Asn (NM_001406673.1); c.5062T>A, p.Tyr1688Asn (NM_001406675.1); and 27 more; short protein forms Y1245N, Y1494N, Y1560N, Y1656N, Y1657N, Y1689N, Y1700N, Y1704N.
Identifiers: ClinVar variation 5031330 (VCV005031330.1).